The following is an entry in ClinVar:

ClinVar aggregate classification (germline): Conflicting classifications of pathogenicity. Review status: criteria provided, conflicting classifications (1 of 4 stars). 2 submissions from 2 submitters: Uncertain significance (1); Likely benign (1). Last evaluated 2025-05-18.

Allele frequency attached by ClinVar (database versions not stated): ESP Exome Variant Server 0.00031; ExAC 0.00023; gnomAD 0.00014; TOPMed 0.00015; 1000 Genomes Project 30x 0.00016; 1000 Genomes Project 0.00020.

Submissions (2):

Ambry Genetics
Classification: Likely benign. Last evaluated: 2025-05-18. Review status: criteria provided, single submitter. Criteria: Ambry Variant Classification Scheme 2023. Collection method: clinical testing. Allele origin: germline.

Labcorp Genetics (formerly Invitae), Labcorp
Classification: Uncertain significance. Last evaluated: 2022-07-01. Review status: criteria provided, single submitter. Criteria: Invitae Variant Classification Sherloc (09022015). Collection method: clinical testing. Allele origin: germline.
Comment: This sequence change replaces methionine, which is neutral and non-polar, with valine, which is neutral and non-polar, at codon 1371 of the PLEKHG2 protein (p.Met1371Val). This variant is present in population databases (rs201638338, gnomAD 0.03%). This variant has not been reported in the literature in individuals affected with PLEKHG2-related conditions. Algorithms developed to predict the effect of missense changes on protein structure and function output the following: SIFT: "Tolerated"; PolyPhen-2: "Benign"; Align-GVGD: "Class C0". The valine amino acid residue is found in multiple mammalian species, which suggests that this missense change does not adversely affect protein function. In summary, the available evidence is currently insufficient to determine the role of this variant in disease. Therefore, it has been classified as a Variant of Uncertain Significance.

NM_022835.3(PLEKHG2):c.4111A>G (p.Met1371Val)

Gene: PLEKHG2 (pleckstrin homology and RhoGEF domain containing G2; plus strand). Cytogenetic location: 19q13.2.
Variant type: single nucleotide variant.
Coding change: c.4111A>G on transcript NM_022835.3 (MANE Select); coding-DNA position 4111, A replaced by G.
Protein change: p.Met1371Val; replaces methionine 1371 with valine.
Molecular consequence: missense variant. On other transcripts: synonymous variant (1).
Genome position (GRCh38, 1-based): chr19:39,425,244, A>G. VCF-style: chr19-39425244-A-G. GRCh37 (hg19) VCF-style: chr19-39915884-A-G.
Other names: c.3579A>G, p.Leu1193= (NM_001351693.2); c.1684A>G, p.Met562Val (NM_001351694.2); c.4111A>G (NM_022835.2); short protein forms M1371V, M562V.
Identifiers: ClinVar variation 2172288 (VCV002172288.2), dbSNP rs201638338, ClinGen allele CA9430140.
Genomic context (GRCh38, chr19:39,425,244, plus strand): 5'-CCAGCCAAGGCCCAGGTCCGGTTGAACCACCCTGCTCTCTTGGCCTCCACACAGGAATCT[A>G]TGGGCCTTCACAGGGCCCAGGGGGCTCCTGATGCCCCCTTCCACATGTGAGCCAGGACAT-3'
Protein context (NP_073746.2, residues 1361-1381): PALLASTQES[Met1371Val]GLHRAQGAPD